The following is an entry in ClinVar:

NM_016239.4(MYO15A):c.6294C>G (p.Asp2098Glu)

Gene: MYO15A (myosin XVA; plus strand). Cytogenetic location: 17p11.2.
Variant type: single nucleotide variant.
Coding change: c.6294C>G on transcript NM_016239.4 (MANE Select); coding-DNA position 6294, C replaced by G.
Protein change: p.Asp2098Glu; replaces aspartic acid 2098 with glutamic acid.
Molecular consequence: missense variant.
Genome position (GRCh38, 1-based): chr17:18,145,892, C>G. VCF-style: chr17-18145892-C-G. GRCh37 (hg19) VCF-style: chr17-18049206-C-G.
Other names: short protein forms D2098E.
Identifiers: ClinVar variation 3601369 (VCV003601369.1).

ClinVar aggregate classification (germline): Likely pathogenic (1 of 4 stars; one submission).

Conditions:
Autosomal recessive nonsyndromic hearing loss 3. Also called: NEUROSENSORY NONSYNDROMIC RECESSIVE DEAFNESS 3. Identifiers: Orphanet 90636, MedGen C1838263, MONDO:0010860, OMIM 600316.

Submission:

Institute of Rare Diseases, West China Hospital, Sichuan University
Classification: Likely pathogenic for Autosomal recessive nonsyndromic hearing loss 3. Last evaluated: 2025-01-09. Review status: criteria provided, single submitter. Criteria: ClinGen HL ACMG Specifications v1. Collection method: research. Allele origin: germline. Affected: yes.
Comment: PM3;PM5;PM2_Supporting;PP3